The following is an entry in ClinVar:

NM_053025.4(MYLK):c.3986-1G>A

Gene: MYLK (myosin light chain kinase; minus strand). Cytogenetic location: 3q21.1.
Variant type: single nucleotide variant.
Coding change: c.3986-1G>A on transcript NM_053025.4 (MANE Select); the canonical splice acceptor site of the intron before coding-DNA position 3986, G replaced by A.
Molecular consequence: splice acceptor variant.
Genome position (GRCh38, 1-based): chr3:123,657,429, C>T on the plus strand (G>A on the coding strand, the complement: MYLK is on the minus strand). VCF-style: chr3-123657429-C-T. GRCh37 (hg19) VCF-style: chr3-123376276-C-T.
Other names: c.3458-1G>A (NM_001321309.2); c.3779-1G>A (NM_053028.4, NM_053026.4); c.3986-1G>A (NM_053027.4).
Identifiers: ClinVar variation 2506424 (VCV002506424.2), dbSNP rs2473544159, ClinGen allele CA354228377.

ClinVar aggregate classification (germline): Uncertain significance (0 of 4 stars; one submission).

Conditions:
Familial thoracic aortic aneurysm and aortic dissection (TAAD). Also called: Thoracic aortic aneurysms and dissections. Identifiers: Orphanet 91387, MedGen C4707243, MONDO:0019625.

Submission:

Department of Clinical Genetics, Copenhagen University Hospital, Rigshospitalet
Classification: Uncertain significance for Familial thoracic aortic aneurysm and aortic dissection. Last evaluated: 2023-06-22. Review status: no assertion criteria provided. Collection method: clinical testing. Allele origin: germline. Inheritance: Autosomal dominant inheritance. Affected: yes.
Comment: The following ACMG criteria is used: PVS1_Moderat (RNA), PM2_Supporting (not reported in gnomAD), PP1 (segregation analysis in the current family)

Literature cited by the submitters: PubMed 37921548.